The following is an entry in ClinVar:

ClinVar aggregate classification (germline): Pathogenic (1 of 4 stars; one submission).

Conditions:
Neuronal ceroid lipofuscinosis 3 (CLN3). Identifiers: Orphanet 228346, MedGen C0751383, MONDO:0008767, OMIM 204200.

Submission:

Myriad Genetics, Inc.
Classification: Pathogenic for Neuronal ceroid lipofuscinosis 3. Last evaluated: 2025-01-30. Review status: criteria provided, single submitter. Criteria: Myriad Autosomal Dominant, Autosomal Recessive and X-Linked Classification Criteria (2023). Collection method: clinical testing. Allele origin: unknown.
Comment: NM_001042432.1(CLN3):c.380delGinsCT(R127Pfs*33) is expected to be pathogenic in the context of CLN3-related disorders. This variant is predicted to lead to an abnormal or absent protein product due to the creation of a premature termination codon in CLN3, a gene where loss-of-function variants are known to be pathogenic. Please note: this variant was assessed in the context of healthy population screening.

NM_001042432.2(CLN3):c.380delinsCT (p.Arg127fs)

Gene: CLN3 (CLN3 lysosomal/endosomal transmembrane protein, battenin; minus strand). Cytogenetic location: 16p12.1.
Variant type: Indel.
Coding change: c.380delinsCT on transcript NM_001042432.2 (MANE Select); coding-DNA position 380, G replaced by CT.
Protein change: p.Arg127fs; shifts the reading frame from arginine 127.
Molecular consequence: frameshift variant.
Genome position (GRCh38, 1-based): chr16:28,487,536, C replaced by AG on the plus strand (G replaced by CT on the coding strand, the reverse complement: CLN3 is on the minus strand). VCF-style: chr16-28487536-C-AG. GRCh37 (hg19) VCF-style: chr16-28498857-C-AG.
Other names: c.380delinsCT, p.Arg127fs (NM_000086.2); c.308delinsCT, p.Arg103fs (NM_001286104.2); c.80delinsCT, p.Arg27fs (NM_001286105.2); c.146delinsCT, p.Arg49fs (NM_001286109.2); c.218delinsCT, p.Arg73fs (NM_001286110.2); short protein forms R103fs, R127fs, R27fs, R49fs, R73fs.
Identifiers: ClinVar variation 5014043 (VCV005014043.1).
Genomic context (GRCh38, chr16:28,487,536, plus strand): 5'-GAATGAGAAAAGGCAACCAGGACGAAGCTTCCAGCAGCACAAATCCCACTGACGAGAACC[C>AG]GGGGGCTGAGGGGGTGAGAAGGGAAGGGAGGGGGAAGGTCGGTCTCTACTCTCAGCATCT-3'